The following is an entry in ClinVar:

NM_003239.5(TGFB3):c.873G>A (p.Pro291=)

Gene: TGFB3 (transforming growth factor beta 3; minus strand). Cytogenetic location: 14q24.3.
Variant type: single nucleotide variant.
Coding change: c.873G>A on transcript NM_003239.5 (MANE Select); coding-DNA position 873, G replaced by A.
Protein change: p.Pro291=; no amino-acid change (proline 291 retained).
Molecular consequence: synonymous variant.
Genome position (GRCh38, 1-based): chr14:75,963,369, C>T on the plus strand (G>A on the coding strand, the complement: TGFB3 is on the minus strand). VCF-style: chr14-75963369-C-T. GRCh37 (hg19) VCF-style: chr14-76429712-C-T.
Other names: c.873G>A, p.Pro291= (NM_001329938.2, NM_001329939.2); c.873G>A (NM_003239.4).
Identifiers: ClinVar variation 239524 (VCV000239524.19), dbSNP rs370006165, ClinGen allele CA7280321.

ClinVar aggregate classification (germline): Benign/Likely benign. Review status: criteria provided, multiple submitters, no conflicts (2 of 4 stars). 7 submissions from 7 submitters: Benign (1); Likely benign (3). 3 of the submissions do not count toward it. Last evaluated 2026-02-02.

Conditions:
TGFB3-related disorder. Also called: TGFB3-related condition.
Rienhoff syndrome. Also called: LOEYS-DIETZ SYNDROME 5. Identifiers: MedGen C3810012, MONDO:0014262, OMIM 615582.
Familial thoracic aortic aneurysm and aortic dissection (TAAD). Also called: Thoracic aortic aneurysms and dissections. Identifiers: Orphanet 91387, MedGen C4707243, MONDO:0019625.

Allele frequency attached by ClinVar (database versions not stated): TOPMed 0.00006; gnomAD 0.00010; gnomAD exomes 0.00010; ESP Exome Variant Server 0.00031.
gnomAD v4.1: 150 of 1,614,040 alleles (0.0093%); highest among the groups gnomAD compares: Non-Finnish European, 0.012%; no homozygotes.

Submissions (7):

Labcorp Genetics (formerly Invitae), Labcorp
Classification: Likely benign for Rienhoff syndrome. Last evaluated: 2026-02-02. Review status: criteria provided, single submitter. Criteria: Invitae Variant Classification Sherloc (09022015). Collection method: clinical testing. Allele origin: germline.

Women's Health and Genetics/Laboratory Corporation of America, LabCorp
Classification: Benign. Last evaluated: 2025-06-12. Review status: criteria provided, single submitter. Criteria: LabCorp Variant Classification Summary - May 2015. Collection method: clinical testing. Allele origin: germline.

Ambry Genetics
Classification: Likely benign for Familial thoracic aortic aneurysm and aortic dissection. Last evaluated: 2023-08-28. Review status: criteria provided, single submitter. Criteria: Ambry Variant Classification Scheme 2023. Collection method: clinical testing. Allele origin: germline.

GeneDx
Classification: Likely benign. Last evaluated: 2020-06-01. Review status: criteria provided, single submitter. Criteria: GeneDx Variant Classification Process June 2021. Collection method: clinical testing. Allele origin: germline. Affected: yes.
Comment: This variant is associated with the following publications: (PMID: 29907982)

PreventionGenetics, part of Exact Sciences
Classification: Likely benign for TGFB3-related condition. Last evaluated: 2023-09-28. Review status: no assertion criteria provided. Collection method: clinical testing. Allele origin: germline. Not counted in ClinVar's aggregate classification.
Comment: This variant is classified as likely benign based on ACMG/AMP sequence variant interpretation guidelines (Richards et al. 2015 PMID: 25741868, with internal and published modifications).

Genome Diagnostics Laboratory, Amsterdam University Medical Center
Classification: Uncertain significance. Review status: no assertion criteria provided. Collection method: clinical testing. Allele origin: germline. Affected: yes. Study: VKGL Data-share Consensus. Not counted in ClinVar's aggregate classification.

Genome Diagnostics Laboratory, University Medical Center Utrecht
Classification: Uncertain significance. Review status: no assertion criteria provided. Collection method: clinical testing. Allele origin: germline. Affected: yes. Study: VKGL Data-share Consensus. Not counted in ClinVar's aggregate classification.